The following is an entry in ClinVar:

ClinVar aggregate classification (germline): Uncertain significance (1 of 4 stars; one submission).

Submission:

Labcorp Genetics (formerly Invitae), Labcorp
Classification: Uncertain significance. Last evaluated: 2023-04-30. Review status: criteria provided, single submitter. Criteria: Invitae Variant Classification Sherloc (09022015). Collection method: clinical testing. Allele origin: germline.
Comment: Advanced modeling of protein sequence and biophysical properties (such as structural, functional, and spatial information, amino acid conservation, physicochemical variation, residue mobility, and thermodynamic stability) performed at Invitae indicates that this missense variant is not expected to disrupt GUCY2C protein function. This variant has not been reported in the literature in individuals affected with GUCY2C-related conditions. This variant is present in population databases (no rsID available, gnomAD 0.0009%). This sequence change replaces proline, which is neutral and non-polar, with arginine, which is basic and polar, at codon 703 of the GUCY2C protein (p.Pro703Arg). In summary, the available evidence is currently insufficient to determine the role of this variant in disease. Therefore, it has been classified as a Variant of Uncertain Significance.

NM_004963.4(GUCY2C):c.2108C>G (p.Pro703Arg)

Gene: GUCY2C (guanylate cyclase 2C; minus strand). Cytogenetic location: 12p12.3.
Variant type: single nucleotide variant.
Coding change: c.2108C>G on transcript NM_004963.4 (MANE Select); coding-DNA position 2108, C replaced by G.
Protein change: p.Pro703Arg; replaces proline 703 with arginine.
Molecular consequence: missense variant.
Genome position (GRCh38, 1-based): chr12:14,639,911, G>C on the plus strand (C>G on the coding strand, the complement: GUCY2C is on the minus strand). VCF-style: chr12-14639911-G-C. GRCh37 (hg19) VCF-style: chr12-14792845-G-C.
Other names: short protein forms P703R.
Identifiers: ClinVar variation 2828227 (VCV002828227.3), dbSNP rs893949046, ClinGen allele CA383983747.